The following is an entry in ClinVar:

NM_001370466.1(NOD2):c.1184T>G (p.Val395Gly)

Gene: NOD2 (nucleotide binding oligomerization domain containing 2; plus strand). Cytogenetic location: 16q12.1.
Variant type: single nucleotide variant.
Coding change: c.1184T>G on transcript NM_001370466.1 (MANE Select); coding-DNA position 1184, T replaced by G.
Protein change: p.Val395Gly; replaces valine 395 with glycine.
Molecular consequence: missense variant. On other transcripts: non-coding transcript variant (1).
Genome position (GRCh38, 1-based): chr16:50,711,176, T>G. VCF-style: chr16-50711176-T-G. GRCh37 (hg19) VCF-style: chr16-50745087-T-G.
Other names: c.1184T>G, p.Val395Gly (NM_001293557.2); c.1265T>G, p.Val422Gly (NM_022162.3); short protein forms V422G, V395G.
Identifiers: ClinVar variation 2941190 (VCV002941190.3), dbSNP rs768497619, ClinGen allele CA8051498.

ClinVar aggregate classification (germline): Uncertain significance (1 of 4 stars; one submission).

Conditions:
Regional enteritis. Also called: Enteritis, Granulomatous. Identifiers: MedGen C0678202, MeSH D003424.
Blau syndrome (BLAUS). Also called: ARTHROCUTANEOUVEAL GRANULOMATOSIS; GRANULOMATOSIS, FAMILIAL JUVENILE SYSTEMIC; GRANULOMATOSIS, FAMILIAL, BLAU TYPE; GRANULOMATOUS INFLAMMATORY ARTHRITIS, DERMATITIS, AND UVEITIS, FAMILIAL; JABS SYNDROME. Identifiers: Orphanet 90340, MedGen C5201146, MONDO:0008523, OMIM 186580.

Allele frequency attached by ClinVar (database versions not stated): gnomAD 0.00001; TOPMed 0.00001; ExAC 0.00002.
gnomAD v4.1: 6 of 1,613,974 alleles (0.00037%); highest among the groups gnomAD compares: Admixed American, 0.005%; no homozygotes.

Submission:

Labcorp Genetics (formerly Invitae), Labcorp
Classification: Uncertain significance for Regional enteritis; Blau syndrome. Last evaluated: 2022-12-30. Review status: criteria provided, single submitter. Criteria: Invitae Variant Classification Sherloc (09022015). Collection method: clinical testing. Allele origin: germline.
Comment: This sequence change replaces valine, which is neutral and non-polar, with glycine, which is neutral and non-polar, at codon 422 of the NOD2 protein (p.Val422Gly). This variant is present in population databases (rs768497619, gnomAD 0.006%). This variant has not been reported in the literature in individuals affected with NOD2-related conditions. Advanced modeling of protein sequence and biophysical properties (such as structural, functional, and spatial information, amino acid conservation, physicochemical variation, residue mobility, and thermodynamic stability) performed at Invitae indicates that this missense variant is not expected to disrupt NOD2 protein function. In summary, the available evidence is currently insufficient to determine the role of this variant in disease. Therefore, it has been classified as a Variant of Uncertain Significance.